The following is an entry in ClinVar:

NM_001958.5(EEF1A2):c.773-123C>A

Gene: EEF1A2 (eukaryotic translation elongation factor 1 alpha 2; minus strand). Cytogenetic location: 20q13.33.
Variant type: single nucleotide variant.
Coding change: c.773-123C>A on transcript NM_001958.5 (MANE Select); 123 bases into the intron before coding-DNA position 773, C replaced by A.
Molecular consequence: intron variant.
Genome position (GRCh38, 1-based): chr20:63,490,858, G>T on the plus strand (C>A on the coding strand, the complement: EEF1A2 is on the minus strand). VCF-style: chr20-63490858-G-T. GRCh37 (hg19) VCF-style: chr20-62122211-G-T.
Identifiers: ClinVar variation 680017 (VCV000680017.1), dbSNP rs76041667, ClinGen allele CA14837208.

ClinVar aggregate classification (germline): Benign (1 of 4 stars; one submission).

Allele frequency attached by ClinVar (database versions not stated): TOPMed 0.28107; gnomAD 0.29180 and 0.30286; 1000 Genomes Project 30x 0.32542; 1000 Genomes Project 0.33147.
gnomAD v4.1: 448,788 of 1,220,730 alleles (37%); highest among the groups gnomAD compares: East Asian, 49%; 87,357 homozygotes.

Submission:

GeneDx
Classification: Benign. Last evaluated: 2018-06-14. Review status: criteria provided, single submitter. Criteria: GeneDx Variant Classification (06012015). Collection method: clinical testing. Allele origin: germline. Affected: yes.
Comment: This variant is considered likely benign or benign based on one or more of the following criteria: it is a conservative change, it occurs at a poorly conserved position in the protein, it is predicted to be benign by multiple in silico algorithms, and/or has population frequency not consistent with disease.